The following is an entry in ClinVar:

NM_001018008.2(TPM1):c.707A>G (p.Asn236Ser)

Gene: TPM1 (tropomyosin 1; plus strand). Cytogenetic location: 15q22.2.
Variant type: single nucleotide variant.
Coding change: c.707A>G on transcript NM_001018008.2; coding-DNA position 707, A replaced by G.
Protein change: p.Asn236Ser; replaces asparagine 236 with serine.
Molecular consequence: missense variant. On other transcripts: non-coding transcript variant (5), intron variant (8).
Genome position (GRCh38, 1-based): chr15:63,069,912, A>G. VCF-style: chr15-63069912-A-G. GRCh37 (hg19) VCF-style: chr15-63362111-A-G.
Other names: c.707A>G, p.Asn236Ser (NM_001330351.2); c.815A>G, p.Asn272Ser (NM_001365776.1, NM_001407336.1, NM_001407337.1 and 1 more transcripts); c.899-1178A>G (NM_001365778.1); c.773-1178A>G (NM_001018020.2, NM_001018007.2, NM_001018006.2 and 1 more transcripts); c.852-1178A>G (NM_001407326.1); c.665-1178A>G (NM_001330344.2, NM_001301289.2); short protein forms N236S, N272S.
Identifiers: ClinVar variation 1805657 (VCV001805657.1), dbSNP rs764939532, ClinGen allele CA033855.
Genomic context (GRCh38, chr15:63,069,912, plus strand): 5'-GCTTGCTGACCTGTACAGATCAACTCTACCAGCAACTTGAGCAAAATCGCCGCCTCACTA[A>G]TGAACTAAAGCTGGCCCTGAATGAGGATTAAACTTAAGAGTGAAAAAACTTGGGCTGAAT-3'

ClinVar aggregate classification (germline): Uncertain significance (1 of 4 stars; one submission).

Conditions:
Cardiomyopathy (CMYO). Also called: Cardiomyopathies. Identifiers: Orphanet 167848, MedGen C0878544, MONDO:0004994, HP:0001638. Inheritance: Various modes of inheritance.

Allele frequency attached by ClinVar (database versions not stated): gnomAD exomes below 0.00001; TOPMed below 0.00001; ExAC 0.00001.
gnomAD v4.1: 5 of 1,614,152 alleles (0.00031%); highest among the groups gnomAD compares: Non-Finnish European, 0.00034%; no homozygotes.

Submission:

Victorian Clinical Genetics Services, Murdoch Childrens Research Institute
Classification: Uncertain significance for Cardiomyopathy. Last evaluated: 2020-10-19. Review status: criteria provided, single submitter. Criteria: ACMG Guidelines, 2015. Collection method: clinical testing. Allele origin: germline. Inheritance: Autosomal dominant inheritance. Affected: yes.
Comment: Based on the classification scheme VCGS_Germline_v1.1.1, this variant is classified as 3C - VUS. Following criteria are met: 0101 - Gain-of-function is a known mechanism of disease for this gene. (N) 0107 - This gene is known to be associated with autosomal dominant disease. (N) 0200 - Variant is predicted to result in a missense amino acid change from asparagine to serine (Exon 8). (N) 0251 - Variant is heterozygous. (N) 0302 - Variant is present in gnomAD <0.001 for a dominant condition (1 Heterozygote, 0 Homozygotes). (P) 0503 - Missense variant consistently predicted to be tolerated or not conserved in mammals with a minor amino acid change. (B) 0600 - Variant is located in an annotated domain or motif (Tropomyosin superfamily) (N) 0705 - No comparable variants have previous evidence for pathogenicity. (N) 0807 - Variant has not previously been reported in a clinical context. (N) 0905 - No segregation evidence has been identified for this variant. (N) 1007 - No published functional evidence has been identified for this variant. (N) Legend: (P) - Pathogenic, (N) - Neutral, (B) - Benign